The following is an entry in ClinVar:

NM_021954.4(GJA3):c.191T>C (p.Val64Ala)

Gene: GJA3 (gap junction protein alpha 3; minus strand). Cytogenetic location: 13q12.11.
Variant type: single nucleotide variant.
Coding change: c.191T>C on transcript NM_021954.4 (MANE Select); coding-DNA position 191, T replaced by C.
Protein change: p.Val64Ala; replaces valine 64 with alanine.
Molecular consequence: missense variant.
Genome position (GRCh38, 1-based): chr13:20,143,098, A>G on the plus strand (T>C on the coding strand, the complement: GJA3 is on the minus strand). VCF-style: chr13-20143098-A-G. GRCh37 (hg19) VCF-style: chr13-20717237-A-G.
Other names: short protein forms V64A.
Identifiers: ClinVar variation 4709990 (VCV004709990.1).

ClinVar aggregate classification (germline): Uncertain significance (1 of 4 stars; one submission).

Conditions:
Cataract 14 multiple types. Also called: CATARACT 14, COPPOCK-LIKE; CATARACT 14, ZONULAR PULVERULENT; CATARACT 14, NUCLEAR PULVERULENT; CATARACT 14, NUCLEAR PULVERULENT AND POSTERIOR POLAR; CATARACT 14, NUCLEAR CORALLIFORM; CATARACT 14, EMBRYONAL NUCLEAR. Identifiers: Orphanet 91492, MedGen C1866078, MONDO:0011162, OMIM 601885.

Submission:

Labcorp Genetics (formerly Invitae), Labcorp
Classification: Uncertain significance for Cataract 14 multiple types. Last evaluated: 2025-03-18. Review status: criteria provided, single submitter. Criteria: Invitae Variant Classification Sherloc (09022015). Collection method: clinical testing. Allele origin: germline.
Comment: This sequence change replaces valine, which is neutral and non-polar, with alanine, which is neutral and non-polar, at codon 64 of the GJA3 protein (p.Val64Ala). This variant is not present in population databases (gnomAD no frequency). This missense change has been observed in individual(s) with clinical features of GJA3-related conditions (internal data). Invitae Evidence Modeling of protein sequence and biophysical properties (such as structural, functional, and spatial information, amino acid conservation, physicochemical variation, residue mobility, and thermodynamic stability) has been performed for this missense variant. However, the output from this modeling did not meet the statistical confidence thresholds required to predict the impact of this variant on GJA3 protein function. In summary, the available evidence is currently insufficient to determine the role of this variant in disease. Therefore, it has been classified as a Variant of Uncertain Significance.